The following is an entry in ClinVar:

ClinVar aggregate classification (germline): Pathogenic. Review status: criteria provided, multiple submitters, no conflicts (2 of 4 stars). 9 submissions from 9 submitters: Pathogenic (6). 3 of the submissions do not count toward it. Last evaluated 2025-07-30.

Conditions:
Paediatric disorders.
RASopathy. Also called: Noonan spectrum disorder; rasopathies. Identifiers: Orphanet 536391, MedGen C5555857, MONDO:0021060.
Noonan syndrome (NS). Also called: Noonan's syndrome. Identifiers: Orphanet 648, MedGen C0028326, MeSH D009634, MONDO:0018997. Disease mechanism: gain of function.
Noonan syndrome 4 (NS4). Also called: SOS1-Related Noonan Syndrome; NOONAN SYNDROME WITH PIGMENTED VILLONODULAR SYNOVITIS. Identifiers: Orphanet 648, MedGen C1853120, MONDO:0012547, OMIM 610733.

Submissions (9):

Labcorp Genetics (formerly Invitae), Labcorp
Classification: Pathogenic for RASopathy. Last evaluated: 2025-07-30. Review status: criteria provided, single submitter. Criteria: Invitae Variant Classification Sherloc (09022015). Collection method: clinical testing. Allele origin: germline.
Comment: This sequence change replaces tryptophan, which is neutral and slightly polar, with arginine, which is basic and polar, at codon 432 of the SOS1 protein (p.Trp432Arg). This variant is not present in population databases (gnomAD no frequency). This missense change has been observed in individuals with Noonan syndrome (PMID: 17143282, 17586837, 19438935, 21387466, 22465605). It has also been observed to segregate with disease in related individuals. ClinVar contains an entry for this variant (Variation ID: 12873). Invitae Evidence Modeling of protein sequence and biophysical properties (such as structural, functional, and spatial information, amino acid conservation, physicochemical variation, residue mobility, and thermodynamic stability) indicates that this missense variant is expected to disrupt SOS1 protein function with a positive predictive value of 95%. For these reasons, this variant has been classified as Pathogenic.

North West Genomic Laboratory Hub, Manchester University NHS Foundation Trust
Classification: Pathogenic for Paediatric disorders. Last evaluated: 2025-05-28. Review status: criteria provided, single submitter. Criteria: ACGS Best Practice Guidelines for Variant Classification in Rare Disease 2024. Collection method: clinical testing. Allele origin: germline. Affected: yes.
Comment: PS4_Mod PP3_Supp PS2_VStr PM2_Mod

Women's Health and Genetics/Laboratory Corporation of America, LabCorp
Classification: Pathogenic for Rasopathy. Last evaluated: 2020-11-09. Review status: criteria provided, single submitter. Criteria: LabCorp Variant Classification Summary - May 2015. Collection method: clinical testing. Allele origin: germline.
Comment: Variant summary: SOS1 c.1294T>C (p.Trp432Arg) results in a non-conservative amino acid change in the encoded protein sequence. Five of five in-silico tools predict a damaging effect of the variant on protein function. The variant was absent in 251056 control chromosomes. c.1294T>C has been reported in the literature in multiple individuals affected with Noonan Syndrome And Related Conditions, including some de novo cases (Tartaglia_2007, Zenker_2007, Hanna_2009, Ezquieta_2012, Jin_2017). These data indicate that the variant is very likely to be associated with disease. One clinical diagnostic laboratory has submitted clinical-significance assessments for this variant to ClinVar after 2014 without evidence for independent evaluation and classified the variant as pathogenic. Based on the evidence outlined above, the variant was classified as pathogenic.

GeneDx
Classification: Pathogenic. Last evaluated: 2014-06-30. Review status: criteria provided, single submitter. Criteria: GeneDx Variant Classification (06012015). Collection method: clinical testing. Allele origin: germline. Affected: yes.
Comment: The W432R missense mutation in the SOS1 gene has been reported in association with Noonan syndrome (Tartaglia et al., 2007). W432R is a non-conservative amino acid substitution that occurs within the highly conserved pleckstrin homology (PH) domain. Furthermore, the W432R variant was not observed in approximately 6,500 individuals of European and African American ancestry in the NHLBI Exome Sequencing Project, indicating it is not a common benign variant in these populations. The variant is found in NOONAN panel(s).

Laboratory for Molecular Medicine, Mass General Brigham Personalized Medicine
Classification: Pathogenic for Noonan syndrome. Last evaluated: 2013-06-18. Review status: criteria provided, single submitter. Criteria: LMM Criteria. Collection method: clinical testing. Allele origin: germline. Observed: 4 variant alleles.
Comment: The Trp432Arg variant has been reported in the literature in several individuals with clinical features of Noonan syndrome (Hanna 2009, Lepri 2011, Tartaglia 20 07, Zenker 2007, LMM unpublished data). This variant showed segregation in one f amily with clinical features of Noonan syndrome and multiple giant cell lesions consistent with pathogenicity (2 meioses; Hanna 2009). This variant is highly li kely to be pathogenic.

Genome-Nilou Lab
Classification: Pathogenic for Noonan syndrome 4. Review status: criteria provided, single submitter. Criteria: ACMG Guidelines, 2015. Collection method: clinical testing. Allele origin: germline.

Department of Genetics, Beijing BioBiggen Technology Co., Ltd.
Classification: Pathogenic for Noonan syndrome 4. Last evaluated: 2022-06-29. Review status: no assertion criteria provided. Collection method: research. Allele origin: germline. Affected: yes. Not counted in ClinVar's aggregate classification.

Institute Of Reproduction And Development, Obstetrics and Gynecology Hospital, Fudan University
Classification: Pathogenic for Noonan syndrome 4. Last evaluated: 2021-09-30. Review status: no assertion criteria provided. Collection method: research. Allele origin: germline. Affected: yes. Not counted in ClinVar's aggregate classification.

OMIM
Classification: Pathogenic for NOONAN SYNDROME 4. Last evaluated: 2009-06-01. Review status: no assertion criteria provided. Collection method: literature only. Allele origin: germline. Not counted in ClinVar's aggregate classification.

Literature cited by the submitters: PubMed 17143282 (cited by 3 submitters); PubMed 17586837 (cited by 3 submitters); PubMed 19438935 (cited by 4 submitters); PubMed 21387466 (cited by 3 submitters); PubMed 22465605 (cited by Labcorp Genetics (formerly Invitae), Labcorp and Women's Health and Genetics/Laboratory Corporation of America, LabCorp); PubMed 20133692 (cited by Women's Health and Genetics/Laboratory Corporation of America, LabCorp); PubMed 22848035 (cited by Women's Health and Genetics/Laboratory Corporation of America, LabCorp); PubMed 28991257 (cited by Women's Health and Genetics/Laboratory Corporation of America, LabCorp).

NM_005633.4(SOS1):c.1294T>C (p.Trp432Arg)

Gene: SOS1 (SOS Ras/Rac guanine nucleotide exchange factor 1; minus strand). Cytogenetic location: 2p22.1.
Variant type: single nucleotide variant.
Coding change: c.1294T>C on transcript NM_005633.4 (MANE Select); coding-DNA position 1294, T replaced by C.
Protein change: p.Trp432Arg; replaces tryptophan 432 with arginine.
Molecular consequence: missense variant.
Genome position (GRCh38, 1-based): chr2:39,023,134, A>G on the plus strand (T>C on the coding strand, the complement: SOS1 is on the minus strand). VCF-style: chr2-39023134-A-G. GRCh37 (hg19) VCF-style: chr2-39250275-A-G.
Other names: p.W432R:TGG>CGG; c.1273T>C, p.Trp425Arg (NM_001382394.1); c.1294T>C, p.Trp432Arg (NM_001382395.1); short protein forms W432R, W425R.
Identifiers: ClinVar variation 12873 (VCV000012873.18), dbSNP rs267607080, ClinGen allele CA256582.